The following is an entry in ClinVar:

ClinVar aggregate classification (germline): Likely benign (1 of 4 stars; one submission).

Conditions:
MELAS syndrome (MELAS). Also called: Juvenile myopathy, encephalopathy, lactic acidosis, stroke. Identifiers: Orphanet 550, MedGen C0162671, MONDO:0010789, OMIM 540000.

Submission:

Wong Mito Lab, Molecular and Human Genetics, Baylor College of Medicine
Classification: Likely benign for MELAS syndrome. Last evaluated: 2019-07-12. Review status: criteria provided, single submitter. Criteria: Modified ACMG Guidelines (Unpublished). Collection method: clinical testing. Allele origin: germline.
Comment: The NC_012920.1:m.3275C>G variant in MT-TL1 gene is interpreted to be a Likely Benign variant based on the modified ACMG guidelines (unpublished). This variant meets the following evidence codes reported in the guidelines: BS4, BP4

Literature cited by the submitters: PubMed 31965079; PubMed 10612844.

NC_012920.1(MT-TL1):m.3275C>G

Gene: MT-TL1 (mitochondrially encoded tRNA leucine 1 (UUA/G); plus strand).
Variant type: single nucleotide variant.
Genome position: chrM-3275-C-G.
Identifiers: ClinVar variation 689866 (VCV000689866.1), dbSNP rs1057516057, ClinGen allele CA913169087.
Genomic context (GRCh38, chrMT:3,275, plus strand): 5'-CCAAGAACAGGGTTTGTTAAGATGGCAGAGCCCGGTAATCGCATAAAACTTAAAACTTTA[C>G]AGTCAGAGGTTCAATTCCTCTTCTTAACAACATACCCATGGCCAACCTCCTACTCCTCAT-3'